The following is an entry in ClinVar:

ClinVar aggregate classification (germline): Likely benign (0 of 4 stars; one submission).

Conditions:
GCGR-related disorder. Also called: GCGR-related condition.

Allele frequency attached by ClinVar (database versions not stated): gnomAD 0.00031; ExAC 0.00041; ESP Exome Variant Server 0.00088.
gnomAD v4.1: 557 of 1,536,010 alleles (0.036%); highest among the groups gnomAD compares: Non-Finnish European, 0.046%; 1 homozygote.

Submission:

PreventionGenetics, part of Exact Sciences
Classification: Likely benign for GCGR-related condition. Last evaluated: 2019-04-01. Review status: no assertion criteria provided. Collection method: clinical testing. Allele origin: germline.
Comment: This variant is classified as likely benign based on ACMG/AMP sequence variant interpretation guidelines (Richards et al. 2015 PMID: 25741868, with internal and published modifications).

NM_000160.5(GCGR):c.879-4G>A

Gene: GCGR (glucagon receptor; plus strand). Cytogenetic location: 17q25.3.
Variant type: single nucleotide variant.
Coding change: c.879-4G>A on transcript NM_000160.5 (MANE Select); 4 bases into the intron before coding-DNA position 879, G replaced by A.
Molecular consequence: intron variant.
Genome position (GRCh38, 1-based): chr17:81,812,179, G>A. VCF-style: chr17-81812179-G-A. GRCh37 (hg19) VCF-style: chr17-79770055-G-A.
Identifiers: ClinVar variation 3048578 (VCV003048578.2), dbSNP rs368849606, ClinGen allele CA8842148.
Genomic context (GRCh38, chr17:81,812,179, plus strand): 5'-GGGGTGCTGAGGGGCGGAGGGGCTGGGGGCTGTGCCCCAGTATGTGAGTGGCCTGGCCTC[G>A]CAGGTGCTGGACCAGCAATGACAACATGGGCTTCTGGTGGATCCTGCGGTTCCCCGTCTT-3'